The following is an entry in ClinVar:

ClinVar aggregate classification (germline): Likely pathogenic (1 of 4 stars; one submission).

Conditions:
Familial dysautonomia. Also called: HSAN III; FD. Identifiers: Orphanet 1764, MedGen C0013364, MONDO:0009131, OMIM 223900. Disease mechanism: loss of function.

gnomAD v4.1: 3 of 1,473,858 alleles (0.0002%); highest among the groups gnomAD compares: Non-Finnish European, 0.00028%; no homozygotes.

Submission:

Natera, Inc.
Classification: Likely pathogenic for Familial dysautonomia. Last evaluated: 2024-11-06. Review status: criteria provided, single submitter. Criteria: Natera Variant Classification Schema (03/2026). Collection method: clinical testing. Allele origin: germline.
Comment: The c.2363+2T>G variant in ELP1 is a canonical splice donor site variant predicted to affect pre-mRNA splicing, which may result in an abnormal transcript and altered protein product. This variant is expected to result in nonsense mediated decay, truncation, or a dysfunctional protein product. This variant is rare in the general population with a frequency below the threshold expected for the associated phenotype(s). Given the available evidence, this variant is classified as Likely Pathogenic.

NM_003640.5(ELP1):c.2363+2T>G

Gene: ELP1 (elongator acetyltransferase complex subunit 1; minus strand). Cytogenetic location: 9q31.3.
Variant type: single nucleotide variant.
Coding change: c.2363+2T>G on transcript NM_003640.5 (MANE Select); the canonical splice donor site of the intron after coding-DNA position 2363, T replaced by G.
Molecular consequence: splice donor variant.
Genome position (GRCh38, 1-based): chr9:108,898,500, A>C on the plus strand (T>G on the coding strand, the complement: ELP1 is on the minus strand). VCF-style: chr9-108898500-A-C. GRCh37 (hg19) VCF-style: chr9-111660780-A-C.
Other names: c.2021+2T>G (NM_001318360.2); c.1316+2T>G (NM_001330749.2).
Identifiers: ClinVar variation 4815195 (VCV004815195.1).